The following is an entry in ClinVar:

NM_001606.5(ABCA2):c.3190C>T (p.Arg1064Cys)

Gene: ABCA2 (ATP binding cassette subfamily A member 2; minus strand). Cytogenetic location: 9q34.3.
Variant type: single nucleotide variant.
Coding change: c.3190C>T on transcript NM_001606.5 (MANE Select); coding-DNA position 3190, C replaced by T.
Protein change: p.Arg1064Cys; replaces arginine 1064 with cysteine.
Molecular consequence: missense variant.
Genome position (GRCh38, 1-based): chr9:137,016,089, G>A on the plus strand (C>T on the coding strand, the complement: ABCA2 is on the minus strand). VCF-style: chr9-137016089-G-A. GRCh37 (hg19) VCF-style: chr9-139910541-G-A.
Other names: c.3280C>T (NM_212533.2); c.3187C>T, p.Arg1063Cys (NM_001411042.1); c.3280C>T, p.Arg1094Cys (NM_212533.3); short protein forms R1063C, R1064C, R1094C.
Identifiers: ClinVar variation 3239267 (VCV003239267.20), dbSNP rs755353596.

ClinVar aggregate classification (germline): Uncertain significance. Review status: criteria provided, multiple submitters, no conflicts (2 of 4 stars). 2 submissions from 2 submitters: Uncertain significance (2). Last evaluated 2024-11-08.

Allele frequency attached by ClinVar (database versions not stated): gnomAD 0.00001; TOPMed 0.00001; gnomAD exomes 0.00002; ExAC 0.00003.
gnomAD v4.1: 34 of 1,612,742 alleles (0.0021%); highest among the groups gnomAD compares: Non-Finnish European, 0.0029%; no homozygotes.

Submissions (2):

Ambry Genetics
Classification: Uncertain significance. Last evaluated: 2024-11-08. Review status: criteria provided, single submitter. Criteria: Ambry Variant Classification Scheme 2023. Collection method: clinical testing. Allele origin: germline.

CeGaT Center for Human Genetics Tuebingen
Classification: Uncertain significance. Last evaluated: 2024-05-01. Review status: criteria provided, single submitter. Criteria: CeGaT Center For Human Genetics Tuebingen Variant Classification Criteria Version 2. Collection method: clinical testing. Allele origin: germline. Affected: yes. Observed: 1 variant allele.
Comment: ABCA2: PM2, PP3